The following is an entry in ClinVar:

ClinVar aggregate classification (germline): Uncertain significance. Review status: criteria provided, multiple submitters, no conflicts (2 of 4 stars). 2 submissions from 2 submitters: Uncertain significance (2). Last evaluated 2024-09-25.

Conditions:
Adams-Oliver syndrome 5 (AOS5). Identifiers: Orphanet 974, MedGen C4014970, MONDO:0014459, OMIM 616028.

Submissions (2):

GeneDx
Classification: Uncertain significance. Last evaluated: 2024-09-25. Review status: criteria provided, single submitter. Criteria: GeneDx Variant Classification Process June 2021. Collection method: clinical testing. Allele origin: germline. Affected: yes.
Comment: Not observed at significant frequency in large population cohorts (gnomAD); In-frame deletion of one amino acid in a non-repeat region; In silico analysis supports a deleterious effect on protein structure/function; Has not been previously published as pathogenic or benign to our knowledge

Labcorp Genetics (formerly Invitae), Labcorp
Classification: Uncertain significance for Adams-Oliver syndrome 5. Last evaluated: 2024-05-31. Review status: criteria provided, single submitter. Criteria: Invitae Variant Classification Sherloc (09022015). Collection method: clinical testing. Allele origin: germline.
Comment: This variant, c.6810_6812del, results in the deletion of 1 amino acid(s) of the NOTCH1 protein (p.Pro2271del), but otherwise preserves the integrity of the reading frame. This variant is not present in population databases (gnomAD no frequency). This variant has not been reported in the literature in individuals affected with NOTCH1-related conditions. ClinVar contains an entry for this variant (Variation ID: 2183008). Experimental studies and prediction algorithms are not available or were not evaluated, and the functional significance of this variant is currently unknown. In summary, the available evidence is currently insufficient to determine the role of this variant in disease. Therefore, it has been classified as a Variant of Uncertain Significance.

NM_017617.5(NOTCH1):c.6810_6812del (p.Pro2271del)

Gene: NOTCH1 (notch receptor 1; minus strand). Cytogenetic location: 9q34.3.
Variant type: Deletion.
Coding change: c.6810_6812del on transcript NM_017617.5 (MANE Select); coding-DNA positions 6810 to 6812, 3 bases deleted (ACC; older notation c.6810_6812delACC).
Protein change: p.Pro2271del; deletes proline 2271.
Molecular consequence: inframe deletion.
Genome position (GRCh38, 1-based): chr9:136,496,927-136,496,929, GGT deleted on the plus strand (ACC on the coding strand, the reverse complement: NOTCH1 is on the minus strand); deleting any 3 consecutive bases within chr9:136,496,927-136,496,931 gives the same sequence; the c. name uses the placement nearest the transcript's 3' end. VCF-style (leftmost placement, unchanged base first): chr9-136496926-AGGT-A. GRCh37 (hg19) VCF-style: chr9-139391378-AGGT-A.
Other names: c.6810_6812del (NM_017617.3); short protein forms P2271del.
Identifiers: ClinVar variation 2183008 (VCV002183008.5), dbSNP rs2540421647, ClinGen allele CA2580081004.